The following is an entry in ClinVar:

NM_005612.5(REST):c.1738A>C (p.Lys580Gln)

Gene: REST (RE1 silencing transcription factor; plus strand). Cytogenetic location: 4q12.
Variant type: single nucleotide variant.
Coding change: c.1738A>C on transcript NM_005612.5 (MANE Select); coding-DNA position 1738, A replaced by C.
Protein change: p.Lys580Gln; replaces lysine 580 with glutamine.
Molecular consequence: missense variant.
Genome position (GRCh38, 1-based): chr4:56,930,596, A>C. VCF-style: chr4-56930596-A-C. GRCh37 (hg19) VCF-style: chr4-57796762-A-C.
Other names: c.1738A>C, p.Lys580Gln (NM_001193508.2, NM_001363453.3); short protein forms K580Q.
Identifiers: ClinVar variation 3710066 (VCV003710066.2).
Genomic context (GRCh38, chr4:56,930,596, plus strand): 5'-AAGGGTGACAGCAAAGTGGAGGAGAATAAAAAGCAAAATACTTGCATGAAAAAAAGTACA[A>C]AGAAGAAAACTCTGAAAAATAAATCAAGTAAGAAAAGCAGTAAGCCTCCTCAGAAGGAAC-3'
Protein context (NP_005603.3, residues 570-590): KQNTCMKKST[Lys580Gln]KKTLKNKSSK

ClinVar aggregate classification (germline): Uncertain significance (1 of 4 stars; one submission).

gnomAD v4.1: 3 of 1,612,762 alleles (0.00019%); highest among the groups gnomAD compares: Non-Finnish European, 0.00025%; no homozygotes.

Submission:

Labcorp Genetics (formerly Invitae), Labcorp
Classification: Uncertain significance. Last evaluated: 2024-08-21. Review status: criteria provided, single submitter. Criteria: Invitae Variant Classification Sherloc (09022015). Collection method: clinical testing. Allele origin: germline.
Comment: This sequence change replaces lysine, which is basic and polar, with glutamine, which is neutral and polar, at codon 580 of the REST protein (p.Lys580Gln). This variant is present in population databases (no rsID available, gnomAD 0.0009%). This variant has not been reported in the literature in individuals affected with REST-related conditions. An algorithm developed to predict the effect of missense changes on protein structure and function (PolyPhen-2) suggests that this variant is likely to be disruptive. In summary, the available evidence is currently insufficient to determine the role of this variant in disease. Therefore, it has been classified as a Variant of Uncertain Significance.